The following is an entry in ClinVar:

ClinVar aggregate classification (germline): Likely benign. Review status: criteria provided, multiple submitters, no conflicts (2 of 4 stars). 4 submissions from 4 submitters: Likely benign (3). 1 of the submissions does not count toward it. Last evaluated 2025-12-08.

Conditions:
LRRK1-related disorder. Also called: LRRK1-related condition.

Allele frequency attached by ClinVar (database versions not stated): 1000 Genomes Project 30x 0.00047; 1000 Genomes Project 0.00060; ESP Exome Variant Server 0.00172; gnomAD 0.00185 and 0.00188; TOPMed 0.00198.
gnomAD v4.1: 4,574 of 1,614,204 alleles (0.28%); highest among the groups gnomAD compares: Non-Finnish European, 0.35%; 9 homozygotes.

Submissions (4):

Labcorp Genetics (formerly Invitae), Labcorp
Classification: Likely benign. Last evaluated: 2025-12-08. Review status: criteria provided, single submitter. Criteria: Invitae Variant Classification Sherloc (09022015). Collection method: clinical testing. Allele origin: germline.

Blueprint Genetics
Classification: Likely benign. Last evaluated: 2024-11-21. Review status: criteria provided, single submitter. Criteria: ACMG Guidelines, 2015. Collection method: clinical testing. Allele origin: germline.

CeGaT Center for Human Genetics Tuebingen
Classification: Likely benign. Last evaluated: 2022-09-01. Review status: criteria provided, single submitter. Criteria: CeGaT Center For Human Genetics Tuebingen Variant Classification Criteria Version 2. Collection method: clinical testing. Allele origin: germline. Affected: yes. Observed: 1 variant allele.
Comment: LRRK1: BP4

PreventionGenetics, part of Exact Sciences
Classification: Likely benign for LRRK1-related condition. Last evaluated: 2019-06-19. Review status: no assertion criteria provided. Collection method: clinical testing. Allele origin: germline. Not counted in ClinVar's aggregate classification.
Comment: This variant is classified as likely benign based on ACMG/AMP sequence variant interpretation guidelines (Richards et al. 2015 PMID: 25741868, with internal and published modifications).

NM_024652.6(LRRK1):c.1932G>C (p.Val644=)

Gene: LRRK1 (leucine rich repeat kinase 1; plus strand). Cytogenetic location: 15q26.3.
Variant type: single nucleotide variant.
Coding change: c.1932G>C on transcript NM_024652.6 (MANE Select); coding-DNA position 1932, G replaced by C.
Protein change: p.Val644=; no amino-acid change (valine 644 retained).
Molecular consequence: synonymous variant.
Genome position (GRCh38, 1-based): chr15:101,022,462, G>C. VCF-style: chr15-101022462-G-C. GRCh37 (hg19) VCF-style: chr15-101562667-G-C.
Other names: c.1932G>C (NM_024652.5).
Identifiers: ClinVar variation 718237 (VCV000718237.35), dbSNP rs78739687, ClinGen allele CA7761074.
Genomic context (GRCh38, chr15:101,022,462, plus strand): 5'-TTACCTGCGTGCTCAGCTGCGGAAAGCGGAAAAGTGCAAGCTGATGAAGATGATCATCGT[G>C]GGTCCCCCGCGCCAGGGCAAGTCCACCCTCCTGGAGATCTTACAGACGGGGAGGGCCCCC-3'
Protein context (NP_078928.3, residues 634-654): EKCKLMKMII[Val644=]GPPRQGKSTL